The following is an entry in ClinVar:

NM_152564.5(VPS13B):c.5395C>G (p.Arg1799Gly)

Gene: VPS13B (vacuolar protein sorting 13 homolog B; plus strand). Cytogenetic location: 8q22.2.
Variant type: single nucleotide variant.
Coding change: c.5395C>G on transcript NM_152564.5 (MANE Select); coding-DNA position 5395, C replaced by G.
Protein change: p.Arg1799Gly; replaces arginine 1799 with glycine.
Molecular consequence: missense variant.
Genome position (GRCh38, 1-based): chr8:99,641,985, C>G. VCF-style: chr8-99641985-C-G. GRCh37 (hg19) VCF-style: chr8-100654213-C-G.
Other names: c.5470C>G, p.Arg1824Gly (NM_017890.5); short protein forms R1799G, R1824G.
Identifiers: ClinVar variation 4739261 (VCV004739261.1).

ClinVar aggregate classification (germline): Uncertain significance (1 of 4 stars; one submission).

Conditions:
Cohen syndrome (COH1). Also called: PEPPER SYNDROME; Cutis verticis gyrata, retinitis pigmentosa, and sensorineural deafness. Identifiers: Orphanet 193, MedGen C0265223, MONDO:0008999, OMIM 216550.

Submission:

Labcorp Genetics (formerly Invitae), Labcorp
Classification: Uncertain significance for Cohen syndrome. Last evaluated: 2025-06-27. Review status: criteria provided, single submitter. Criteria: Invitae Variant Classification Sherloc (09022015). Collection method: clinical testing. Allele origin: germline.
Comment: This sequence change replaces arginine, which is basic and polar, with glycine, which is neutral and non-polar, at codon 1824 of the VPS13B protein (p.Arg1824Gly). This variant is not present in population databases (gnomAD no frequency). This variant has not been reported in the literature in individuals affected with VPS13B-related conditions. Invitae Evidence Modeling of protein sequence and biophysical properties (such as structural, functional, and spatial information, amino acid conservation, physicochemical variation, residue mobility, and thermodynamic stability) has been performed for this missense variant. However, the output from this modeling did not meet the statistical confidence thresholds required to predict the impact of this variant on VPS13B protein function. In summary, the available evidence is currently insufficient to determine the role of this variant in disease. Therefore, it has been classified as a Variant of Uncertain Significance.